The following is an entry in ClinVar:

ClinVar aggregate classification (germline): Conflicting classifications of pathogenicity. Review status: criteria provided, conflicting classifications (1 of 4 stars). 2 submissions from 2 submitters: Pathogenic (1); Uncertain significance (1). Last evaluated 2022-08-16.

Conditions:
Neuromuscular disease caused by qualitative or quantitative defects of dysferlin. Also called: Dysferlinopathy; Qualitative or quantitative defects of dysferlin. Identifiers: Orphanet 207073, MedGen C2931687, MONDO:0016145.

Submissions (2):

Labcorp Genetics (formerly Invitae), Labcorp
Classification: Pathogenic for Neuromuscular disease caused by qualitative or quantitative defects of dysferlin. Last evaluated: 2022-08-16. Review status: criteria provided, single submitter. Criteria: Invitae Variant Classification Sherloc (09022015). Collection method: clinical testing. Allele origin: germline.
Comment: This variant is not present in population databases (gnomAD no frequency). This missense change has been observed in individual(s) with clinical features of autosomal recessive DYSF-related conditions (Invitae). In at least one individual the data is consistent with being in trans (on the opposite chromosome) from a pathogenic variant. ClinVar contains an entry for this variant (Variation ID: 284252). Advanced modeling of protein sequence and biophysical properties (such as structural, functional, and spatial information, amino acid conservation, physicochemical variation, residue mobility, and thermodynamic stability) performed at Invitae indicates that this missense variant is expected to disrupt DYSF protein function. For these reasons, this variant has been classified as Pathogenic. This sequence change replaces leucine, which is neutral and non-polar, with arginine, which is basic and polar, at codon 1270 of the DYSF protein (p.Leu1270Arg).

Eurofins Ntd Llc (ga)
Classification: Uncertain significance. Last evaluated: 2015-10-23. Review status: criteria provided, single submitter. Criteria: EGL Classification Definitions 2015. Collection method: clinical testing. Allele origin: germline. Observed: 1 variant allele, 1 heterozygote.

NM_001130987.2(DYSF):c.3863T>G (p.Leu1288Arg)

Gene: DYSF (dysferlin; plus strand). Cytogenetic location: 2p13.2.
Variant type: single nucleotide variant.
Coding change: c.3863T>G on transcript NM_001130987.2 (MANE Select); coding-DNA position 3863, T replaced by G.
Protein change: p.Leu1288Arg; replaces leucine 1288 with arginine.
Molecular consequence: missense variant.
Genome position (GRCh38, 1-based): chr2:71,600,808, T>G. VCF-style: chr2-71600808-T-G. GRCh37 (hg19) VCF-style: chr2-71827938-T-G.
Other names: c.3812T>G, p.Leu1271Arg (NM_001130455.2, NM_001130983.2); c.3767T>G, p.Leu1256Arg (NM_001130976.2, NM_001130977.2); c.3809T>G, p.Leu1270Arg (NM_001130978.2, NM_003494.4); c.3902T>G, p.Leu1301Arg (NM_001130979.2); c.3860T>G, p.Leu1287Arg (NM_001130980.2, NM_001130981.2); c.3905T>G, p.Leu1302Arg (NM_001130982.2); c.3770T>G, p.Leu1257Arg (NM_001130984.2, NM_001130986.2); c.3863T>G, p.Leu1288Arg (NM_001130985.2); short protein forms L1270R, L1288R, L1287R, L1301R, L1256R, L1271R, L1257R, L1302R.
Identifiers: ClinVar variation 284252 (VCV000284252.12), dbSNP rs886042828, ClinGen allele CA10604735.